The following is an entry in ClinVar:

ClinVar aggregate classification (germline): Uncertain significance (1 of 4 stars; one submission).

Conditions:
Cornelia de Lange syndrome 5 (CDLS5). Also called: HDAC8-Related Cornelia de Lange Syndrome. Identifiers: Orphanet 199, MedGen C3550903, MONDO:0010471, OMIM 300882.

Submission:

Labcorp Genetics (formerly Invitae), Labcorp
Classification: Uncertain significance for Cornelia de Lange syndrome 5. Last evaluated: 2023-02-08. Review status: criteria provided, single submitter. Criteria: Invitae Variant Classification Sherloc (09022015). Collection method: clinical testing. Allele origin: germline.
Comment: Advanced modeling of protein sequence and biophysical properties (such as structural, functional, and spatial information, amino acid conservation, physicochemical variation, residue mobility, and thermodynamic stability) performed at Invitae indicates that this missense variant is not expected to disrupt HDAC8 protein function. In summary, the available evidence is currently insufficient to determine the role of this variant in disease. Therefore, it has been classified as a Variant of Uncertain Significance. This variant has not been reported in the literature in individuals affected with HDAC8-related conditions. This variant is not present in population databases (gnomAD no frequency). This sequence change replaces phenylalanine, which is neutral and non-polar, with leucine, which is neutral and non-polar, at codon 277 of the HDAC8 protein (p.Phe277Leu).

NM_018486.3(HDAC8):c.831T>A (p.Phe277Leu)

Gene: HDAC8 (histone deacetylase 8; minus strand). Cytogenetic location: Xq13.1.
Variant type: single nucleotide variant.
Coding change: c.831T>A on transcript NM_018486.3 (MANE Select); coding-DNA position 831, T replaced by A.
Protein change: p.Phe277Leu; replaces phenylalanine 277 with leucine.
Molecular consequence: missense variant. On other transcripts: non-coding transcript variant (1).
Genome position (GRCh38, 1-based): chrX:72,464,638, A>T on the plus strand (T>A on the coding strand, the complement: HDAC8 is on the minus strand). VCF-style: chrX-72464638-A-T. GRCh37 (hg19) VCF-style: chrX-71684488-A-T.
Other names: c.558T>A, p.Phe186Leu (NM_001166418.2, NM_001410728.1); c.831T>A, p.Phe277Leu (NM_001410725.1, NM_001410729.1); c.753T>A, p.Phe251Leu (NM_001410727.1); short protein forms F186L, F251L, F277L.
Identifiers: ClinVar variation 2835493 (VCV002835493.3), dbSNP rs2520416209, ClinGen allele CA413643040.